The following is an entry in ClinVar:

NM_001370259.2(MEN1):c.166dup (p.Thr56fs)

Gene: MEN1 (menin 1; minus strand). Cytogenetic location: 11q13.1.
Variant type: Duplication.
Coding change: c.166dup on transcript NM_001370259.2 (MANE Select); coding-DNA position 166, one base duplicated (A; older notation c.166dupA).
Protein change: p.Thr56fs; shifts the reading frame from threonine 56.
Molecular consequence: frameshift variant. On other transcripts: non-coding transcript variant (4).
Genome position (GRCh38, 1-based): chr11:64,809,944, T duplicated on the plus strand (A on the coding strand, the reverse complement: MEN1 is on the minus strand). VCF-style (leftmost placement, unchanged base first): chr11-64809943-G-GT. GRCh37 (hg19) VCF-style: chr11-64577415-G-GT.
Other names: c.166dup, p.Thr56fs (NM_001370251.2, NM_000244.4, NM_001407146.1 and 20 more transcripts); short protein forms T56fs.
Identifiers: ClinVar variation 4729500 (VCV004729500.1).
Genomic context (GRCh38, chr11:64,809,943, plus strand): 5'-GTGAGGCCGCCAGGCGGGTCGGGGGCGGGGCTGGGCTGGAAGGTGAGCTCGGGAACGTTG[G>GT]TAGGGATGACGCGGTTGACAGCCAGAAAATGCTCCACGAAGCCCAGCACCAAGGAAAGGA-3'

ClinVar aggregate classification (germline): Pathogenic (1 of 4 stars; one submission).

Conditions:
Multiple endocrine neoplasia, type 1 (MEN1). Also called: MEN I; WERMER SYNDROME; Endocrine adenomatosis multiple; MEN 1; MEA I. Identifiers: Orphanet 652, MedGen C0025267, MeSH D018761, MONDO:0007540, OMIM 131100.

Submission:

Labcorp Genetics (formerly Invitae), Labcorp
Classification: Pathogenic for Multiple endocrine neoplasia, type 1. Last evaluated: 2025-10-19. Review status: criteria provided, single submitter. Criteria: Invitae Variant Classification Sherloc (09022015). Collection method: clinical testing. Allele origin: germline.
Comment: This sequence change creates a premature translational stop signal (p.Thr56Asnfs*61) in the MEN1 gene. It is expected to result in an absent or disrupted protein product. Loss-of-function variants in MEN1 are known to be pathogenic (PMID: 12112656, 17853334). This variant is not present in population databases (gnomAD no frequency). This variant has not been reported in the literature in individuals affected with MEN1-related conditions. For these reasons, this variant has been classified as Pathogenic.

Literature cited by the submitters: PubMed 12112656; PubMed 17853334.